The following is an entry in ClinVar:

NM_006231.4(POLE):c.3227G>C (p.Cys1076Ser)

Gene: POLE (DNA polymerase epsilon, catalytic subunit; minus strand). Cytogenetic location: 12q24.33.
Variant type: single nucleotide variant.
Coding change: c.3227G>C on transcript NM_006231.4 (MANE Select); coding-DNA position 3227, G replaced by C.
Protein change: p.Cys1076Ser; replaces cysteine 1076 with serine.
Molecular consequence: missense variant.
Genome position (GRCh38, 1-based): chr12:132,659,343, C>G on the plus strand (G>C on the coding strand, the complement: POLE is on the minus strand). VCF-style: chr12-132659343-C-G. GRCh37 (hg19) VCF-style: chr12-133235929-C-G.
Other names: short protein forms C1076S.
Identifiers: ClinVar variation 4745566 (VCV004745566.1).
Genomic context (GRCh38, chr12:132,659,343, plus strand): 5'-GGGAGCCCTCACCTCTCCGTGACAGGGGAGCCCTCGGGCTTGCGGGAGATGATGTAGCGG[C>G]AACTCAGCCCTGCATCCTTGACCATCTGGTCTCCCAGGAACTCGGCCAGGCGCTTTGCTG-3'
Protein context (NP_006222.2, residues 1066-1086): DQMVKDAGLS[Cys1076Ser]RYIISRKPEG

ClinVar aggregate classification (germline): Uncertain significance (1 of 4 stars; one submission).

Submission:

Labcorp Genetics (formerly Invitae), Labcorp
Classification: Uncertain significance. Last evaluated: 2025-09-16. Review status: criteria provided, single submitter. Criteria: Invitae Variant Classification Sherloc (09022015). Collection method: clinical testing. Allele origin: germline.
Comment: This sequence change replaces cysteine, which is neutral and slightly polar, with serine, which is neutral and polar, at codon 1076 of the POLE protein (p.Cys1076Ser). This variant is not present in population databases (gnomAD no frequency). This variant has not been reported in the literature in individuals affected with POLE-related conditions. Invitae Evidence Modeling of protein sequence and biophysical properties (such as structural, functional, and spatial information, amino acid conservation, physicochemical variation, residue mobility, and thermodynamic stability) indicates that this missense variant is expected to disrupt POLE protein function with a positive predictive value of 80%. In summary, the available evidence is currently insufficient to determine the role of this variant in disease. Therefore, it has been classified as a Variant of Uncertain Significance.